The following is an entry in ClinVar:

ClinVar aggregate classification (germline): Likely benign. Review status: criteria provided, multiple submitters, no conflicts (2 of 4 stars). 3 submissions from 3 submitters: Likely benign (3). Last evaluated 2024-10-22.

Allele frequency attached by ClinVar (database versions not stated): gnomAD 0.00002; gnomAD exomes 0.00002; TOPMed 0.00002.

Submissions (3):

Labcorp Genetics (formerly Invitae), Labcorp
Classification: Likely benign. Last evaluated: 2024-10-22. Review status: criteria provided, single submitter. Criteria: Invitae Variant Classification Sherloc (09022015). Collection method: clinical testing. Allele origin: germline.

CeGaT Center for Human Genetics Tuebingen
Classification: Likely benign. Last evaluated: 2024-10-01. Review status: criteria provided, single submitter. Criteria: CeGaT Center For Human Genetics Tuebingen Variant Classification Criteria Version 2. Collection method: clinical testing. Allele origin: germline. Affected: yes. Observed: 1 variant allele.
Comment: ABRAXAS1: BP4, BP7

Ambry Genetics
Classification: Likely benign. Last evaluated: 2022-02-13. Review status: criteria provided, single submitter. Criteria: Ambry Variant Classification Scheme 2023. Collection method: clinical testing. Allele origin: germline.

NM_139076.3(ABRAXAS1):c.1125T>C (p.Gly375=)

Gene: ABRAXAS1 (abraxas 1, BRCA1 A complex subunit; minus strand). Cytogenetic location: 4q21.23.
Variant type: single nucleotide variant.
Coding change: c.1125T>C on transcript NM_139076.3 (MANE Select); coding-DNA position 1125, T replaced by C.
Protein change: p.Gly375=; no amino-acid change (glycine 375 retained).
Molecular consequence: synonymous variant.
Genome position (GRCh38, 1-based): chr4:83,462,574, A>G on the plus strand (T>C on the coding strand, the complement: ABRAXAS1 is on the minus strand). VCF-style: chr4-83462574-A-G. GRCh37 (hg19) VCF-style: chr4-84383727-A-G.
Other names: c.798T>C, p.Gly266= (NM_001345962.2).
Identifiers: ClinVar variation 1800146 (VCV001800146.21), dbSNP rs1351769121, ClinGen allele CA440234505.